The following continues an entry in ClinVar:

NM_007294.4(BRCA1):c.5492C>G (p.Pro1831Arg)

Gene: BRCA1. ClinVar aggregate classification (germline): Conflicting classifications of pathogenicity. Uncertain significance (7); Likely benign (3).

Submissions 7 to 11 of 11:

Ambry Genetics
Classification: Likely benign for Hereditary cancer-predisposing syndrome. Last evaluated: 2021-05-20. Review status: criteria provided, single submitter. Criteria: Ambry Variant Classification Scheme 2023. Collection method: clinical testing. Allele origin: germline.

GeneDx
Classification: Uncertain significance. Last evaluated: 2019-06-06. Review status: criteria provided, single submitter. Criteria: GeneDx Variant Classification Process June 2021. Collection method: clinical testing. Allele origin: germline. Affected: yes.
Comment: Not observed in large population cohorts (Lek et al., 2016); In silico analysis, which includes protein predictors and evolutionary conservation, supports a deleterious effect; Has not been previously published as pathogenic or benign to our knowledge; This variant is associated with the following publications: (PMID: 30209399)

Women's Health and Genetics/Laboratory Corporation of America, LabCorp
Classification: Uncertain significance. Last evaluated: 2019-01-04. Review status: criteria provided, single submitter. Criteria: LabCorp Variant Classification Summary - May 2015. Collection method: clinical testing. Allele origin: germline.
Comment: Variant summary: BRCA1 c.5492C>G (p.Pro1831Arg) results in a non-conservative amino acid change located in the BRCT domain of the encoded protein sequence. Three of five in-silico tools predict a benign effect of the variant on protein function. The variant was absent in 246012 control chromosomes (gnomAD). The available data on variant occurrences in the general population are insufficient to allow any conclusion about variant significance. To our knowledge, no occurrence of c.5492C>G in individuals affected with Hereditary Breast and Ovarian Cancer has been reported. One publication reports experimental evidence demonstrating no damaging effect of this variant (Findlay_2018). Three ClinVar submissions from clinical diagnostic laboratories (evaluation after 2014) cite the variant as uncertain significance. Based on the evidence outlined above, the variant was classified as uncertain significance.

Quest Diagnostics Nichols Institute San Juan Capistrano
Classification: Uncertain significance. Last evaluated: 2017-04-04. Review status: criteria provided, single submitter. Criteria: Quest Diagnostics criteria. Collection method: clinical testing. Allele origin: germline.

Brotman Baty Institute, University of Washington
No classification provided (evidence only). Condition: Breast-ovarian cancer, familial 1. Review status: no classification provided. Collection method: in vitro. Allele origin: not applicable. Functional consequence: functionally_normal. Not counted in ClinVar's aggregate classification.
ClinVar note: "not provided" was previously submitted as the classification for the variant. However, the classification appeared to be based only on an observation of functional data so it was converted to no classification on 2025-07-30.

Literature cited by the submitters: PubMed 30209399 (cited by 4 submitters); PubMed 25085752 (cited by Myriad Genetics, Inc.); PubMed 31853058 (cited by Color Diagnostics, LLC DBA Color Health); PubMed 33471991 (cited by Color Diagnostics, LLC DBA Color Health and Sema4); PubMed 39142283 (cited by Lupski Lab, Baylor-Hopkins CMG, Baylor College of Medicine); PubMed 34793697 (cited by Lupski Lab, Baylor-Hopkins CMG, Baylor College of Medicine); DOI 10.1101/2024.04.11.24305690 (cited by Lupski Lab, Baylor-Hopkins CMG, Baylor College of Medicine).